The following is an entry in ClinVar:

ClinVar aggregate classification (germline): Pathogenic (1 of 4 stars; one submission).

Conditions:
Aortic valve disease 1 (AOVD1). Identifiers: MedGen C3887892, MONDO:0024523, OMIM 109730.

Submission:

Victorian Clinical Genetics Services, Murdoch Childrens Research Institute
Classification: Pathogenic for Aortic valve disease 1. Last evaluated: 2024-10-09. Review status: criteria provided, single submitter. Criteria: ACMG Guidelines, 2015. Collection method: clinical testing. Allele origin: germline. Inheritance: Autosomal dominant inheritance.
Comment: Based on the classification scheme VCGS_Germline_v1.3.4, this variant is classified as Pathogenic. Following criteria are met: 0103 - Loss of function and gain of function are known mechanisms of disease in this gene. Loss of function is associated with Adams-Oliver syndrome 5 (MIM#616028) and aortic valve disease 1 (MIM#109730), while gain of function is associated with genetic cerebral small vessel disease (MONDO:0018787), NOTCH1-related. (I) 0107 - This gene is associated with autosomal dominant disease. (I) 0112 - The condition associated with this gene has incomplete penetrance (PMID: 30582441, PMID: 26820064). (I) 0201 - Variant is predicted to cause nonsense-mediated decay (NMD) and loss of protein (premature termination codon is located at least 54 nucleotides upstream of the final exon-exon junction). (SP) 0251 - This variant is heterozygous. (I) 0301 - Variant is absent from gnomAD (both v2 and v3). (SP) 0701 - Other NMD-predicted variants comparable to the one identified in this case have very strong previous evidence for pathogenicity. These variants have been reported as pathogenic, and described in patients with non-syndromic tetralogy of fallot (DECIPHER, PMID: 30582441). (SP) 0807 - This variant has no previous evidence of pathogenicity. (I) 1007 - No published functional evidence has been identified for this variant. (I) 1208 - Inheritance information for this variant is not currently available in this individual. (I) Legend: (SP) - Supporting pathogenic, (I) - Information, (SB) - Supporting benign

Literature cited by the submitters: PubMed 26820064; PubMed 30582441.

NM_017617.5(NOTCH1):c.5496_5505delinsGGT (p.Asp1833fs)

Gene: NOTCH1 (notch receptor 1; minus strand). Cytogenetic location: 9q34.3.
Variant type: Indel.
Coding change: c.5496_5505delinsGGT on transcript NM_017617.5 (MANE Select); coding-DNA positions 5496 to 5505, TGACCTGGAC replaced by GGT.
Protein change: p.Asp1833fs; shifts the reading frame from aspartic acid 1833.
Molecular consequence: frameshift variant.
Genome position (GRCh38, 1-based): chr9:136,501,881-136,501,890, GTCCAGGTCA replaced by ACC on the plus strand (TGACCTGGAC replaced by GGT on the coding strand, the reverse complement: NOTCH1 is on the minus strand). VCF-style: chr9-136501881-GTCCAGGTCA-ACC. GRCh37 (hg19) VCF-style: chr9-139396333-GTCCAGGTCA-ACC.
Other names: c.5496_5505delTGACCTGGACinsGGT (NM_017617.5); short protein forms D1833fs.
Identifiers: ClinVar variation 3376671 (VCV003376671.1).
Genomic context (GRCh38, chr9:136,501,881, plus strand): 5'-CATGCGCAGGTCAGCGGCATCCAGGTGCTGCTGAGTCCACTGCCGGTGGTCTGTCTGGTC[GTCCAGGTCA>ACC]GGCAGAACCACGGGCTCCTCGAACTACATAGAGGGAGTGAGCAGAGCCTGTCAGGGCAGC-3'